The following is an entry in ClinVar:

NM_000059.4(BRCA2):c.9256+5961C>A

Gene: BRCA2 (BRCA2 DNA repair associated; plus strand). Cytogenetic location: 13q13.1.
Variant type: single nucleotide variant.
Coding change: c.9256+5961C>A on transcript NM_000059.4 (MANE Select); 5961 bases into the intron after coding-DNA position 9256, C replaced by A.
Molecular consequence: intron variant.
Genome position (GRCh38, 1-based): chr13:32,386,106, C>A. VCF-style: chr13-32386106-C-A. GRCh37 (hg19) VCF-style: chr13-32960243-C-A.
Identifiers: ClinVar variation 264945 (VCV000264945.1), dbSNP rs182035795, ClinGen allele CA10588162.
Genomic context (GRCh38, chr13:32,386,106, plus strand): 5'-AGTACTGTGAGTGGGCCCTGAGACTGGCTGCTGAGTTTTAGAACTCTGTGGGACAGGGTC[C>A]TTAGGCACTCAAATATTGACCACTTTCATATTTCATTTGATTTTCTGTTAACGTGCTAAT-3'

ClinVar aggregate classification (germline): Benign (3 of 4 stars; one submission).

Conditions:
Breast-ovarian cancer, familial, susceptibility to, 2 (BROVCA2). Also called: BRCA2 Hereditary Breast and Ovarian Cancer. Identifiers: Orphanet 145, MedGen C2675520, MONDO:0012933, OMIM 612555. Disease mechanism: loss of function.

Allele frequency attached by ClinVar (database versions not stated): gnomAD exomes 0.00053; gnomAD 0.00184 and 0.00193; TOPMed 0.00223; 1000 Genomes Project 30x 0.00328; 1000 Genomes Project 0.00359.
gnomAD v4.1: 287 of 175,752 alleles (0.16%); highest among the groups gnomAD compares: African/African-American, 0.64%; 1 homozygote.

Submission:

Evidence-based Network for the Interpretation of Germline Mutant Alleles (ENIGMA)
Classification: Benign for Breast-ovarian cancer, familial, susceptibility to, 2. Last evaluated: 2016-09-28. Review status: reviewed by expert panel. Criteria: ENIGMA BRCA1/2 Classification Criteria (2015). Collection method: curation. Allele origin: germline.
Comment: Class 1 not pathogenic based on frequency >1% in an outbred sampleset. Frequency 0.0136 (African), derived from 1000 genomes (2013-05-02).